The following is an entry in ClinVar:

NM_000142.5(FGFR3):c.779C>T (p.Pro260Leu)

Gene: FGFR3 (fibroblast growth factor receptor 3; plus strand). Cytogenetic location: 4p16.3.
Variant type: single nucleotide variant.
Coding change: c.779C>T on transcript NM_000142.5 (MANE Select); coding-DNA position 779, C replaced by T.
Protein change: p.Pro260Leu; replaces proline 260 with leucine.
Molecular consequence: missense variant. On other transcripts: non-coding transcript variant (1).
Genome position (GRCh38, 1-based): chr4:1,801,874, C>T. VCF-style: chr4-1801874-C-T. GRCh37 (hg19) VCF-style: chr4-1803601-C-T.
Other names: c.779C>T, p.Pro260Leu (NM_001163213.2, NM_001354809.2, NM_001354810.2 and 1 more transcripts); short protein forms P260L.
Identifiers: ClinVar variation 1303807 (VCV001303807.11), dbSNP rs751038752, ClinGen allele CA2809978.

ClinVar aggregate classification (germline): Uncertain significance. Review status: criteria provided, multiple submitters, no conflicts (2 of 4 stars). 4 submissions from 4 submitters: Uncertain significance (4). Last evaluated 2026-06-23.

Conditions:
FGFR3-related disorder. Also called: FGFR3-related disorders.
FGFR3-related chondrodysplasia. Identifiers: Orphanet 93420, MedGen C5681604, MONDO:0019685.

Allele frequency attached by ClinVar (database versions not stated): ExAC 0.00002; gnomAD 0.00002; gnomAD exomes 0.00003 and 0.00005; TOPMed 0.00003.

Submissions (4):

Genomenon, Inc
Classification: Uncertain significance for FGFR3-related chondrodysplasia. Last evaluated: 2026-06-23. Review status: criteria provided, single submitter. Criteria: Genomenon Sequence Variant Interpretation Standards - Updated. Collection method: curation. Allele origin: germline. Affected: no.
Comment: FGFR3 p.Pro260Leu (c.779C>T) is a missense variant that changes the amino acid at codon 260 from Proline to Leucine. This variant has been reported in the published literature (PMID:24127277). It is absent or not present at a significant frequency in gnomAD. In silico models predict that this variant is possibly or probably damaging. In conclusion, we classify FGFR3 p.Pro260Leu (c.779C>T) as a variant of uncertain significance.

PreventionGenetics, part of Exact Sciences
Classification: Uncertain significance for FGFR3-related condition. Last evaluated: 2026-02-04. Review status: criteria provided, single submitter. Criteria: ACMG Guidelines, 2015. Collection method: clinical testing. Allele origin: germline.
Comment: The FGFR3 c.779C>T variant is predicted to result in the amino acid substitution p.Pro260Leu. This variant has been reported in an individual with craniosynostosis and was assessed as likely polymorphism (Table 1, Roscioli et al. 2013. PubMed ID: 24127277). This variant is reported in 0.0059% of alleles in individuals of Latino descent in gnomAD. At this time, the clinical significance of this variant is uncertain due to the absence of conclusive functional and genetic evidence.

Labcorp Genetics (formerly Invitae), Labcorp
Classification: Uncertain significance. Last evaluated: 2025-11-17. Review status: criteria provided, single submitter. Criteria: Invitae Variant Classification Sherloc (09022015). Collection method: clinical testing. Allele origin: germline.
Comment: This sequence change replaces proline, which is neutral and non-polar, with leucine, which is neutral and non-polar, at codon 260 of the FGFR3 protein (p.Pro260Leu). This variant is present in population databases (rs751038752, gnomAD 0.006%). This missense change has been observed in individual(s) with craniosynostosis (PMID: 24127277). ClinVar contains an entry for this variant (Variation ID: 1303807). Invitae Evidence Modeling of protein sequence and biophysical properties (such as structural, functional, and spatial information, amino acid conservation, physicochemical variation, residue mobility, and thermodynamic stability) has been performed for this missense variant. However, the output from this modeling did not meet the statistical confidence thresholds required to predict the impact of this variant on FGFR3 protein function. In summary, the available evidence is currently insufficient to determine the role of this variant in disease. Therefore, it has been classified as a Variant of Uncertain Significance.

GeneDx
Classification: Uncertain significance. Last evaluated: 2025-08-19. Review status: criteria provided, single submitter. Criteria: GeneDx Variant Classification Process June 2021. Collection method: clinical testing. Allele origin: germline. Affected: yes.
Comment: Identified in an individual with unicoronal craniosynostosis (PMID: 24127277); In silico analysis supports that this missense variant has a deleterious effect on protein structure/function; This variant is associated with the following publications: (PMID: 24127277)

Literature cited by the submitters: PubMed 24127277 (cited by Genomenon, Inc and Labcorp Genetics (formerly Invitae), Labcorp).